The following is an entry in ClinVar:

ClinVar aggregate classification (germline): Likely pathogenic (1 of 4 stars; one submission).

Submission:

Labcorp Genetics (formerly Invitae), Labcorp
Classification: Likely pathogenic. Last evaluated: 2025-09-15. Review status: criteria provided, single submitter. Criteria: Invitae Variant Classification Sherloc (09022015). Collection method: clinical testing. Allele origin: germline.
Comment: This sequence change affects an acceptor splice site in intron 35 of the LOXHD1 gene. It is expected to disrupt RNA splicing. Variants that disrupt the donor or acceptor splice site typically lead to a loss of protein function (PMID: 16199547), and loss-of-function variants in LOXHD1 are known to be pathogenic (PMID: 19732867, 21465660, 25792669). This variant is not present in population databases (gnomAD no frequency). This variant has not been reported in the literature in individuals affected with LOXHD1-related conditions. ClinVar contains an entry for this variant (Variation ID: 2764905). Algorithms developed to predict the effect of sequence changes on RNA splicing suggest that this variant may disrupt the consensus splice site. In summary, the currently available evidence indicates that the variant is pathogenic, but additional data are needed to prove that conclusively. Therefore, this variant has been classified as Likely Pathogenic.

Literature cited by the submitters: PubMed 16199547; PubMed 19732867; PubMed 21465660; PubMed 25792669.

NM_001384474.1(LOXHD1):c.5693-2A>C

Gene: LOXHD1 (lipoxygenase homology PLAT domains 1; minus strand). Cytogenetic location: 18q21.1.
Variant type: single nucleotide variant.
Coding change: c.5693-2A>C on transcript NM_001384474.1 (MANE Select); the canonical splice acceptor site of the intron before coding-DNA position 5693, A replaced by C.
Molecular consequence: splice acceptor variant.
Genome position (GRCh38, 1-based): chr18:46,506,025, T>G on the plus strand (A>C on the coding strand, the complement: LOXHD1 is on the minus strand). VCF-style: chr18-46506025-T-G. GRCh37 (hg19) VCF-style: chr18-44085988-T-G.
Other names: c.2360-2A>C (NM_001145472.3); c.2072-2A>C (NM_001308013.2); c.410-2A>C (NM_001173129.2, NM_001145473.3); c.5507-2A>C (NM_144612.7).
Identifiers: ClinVar variation 2764905 (VCV002764905.3), dbSNP rs2511483611, ClinGen allele CA402367919.